The following is an entry in ClinVar:

ClinVar aggregate classification (germline): Likely benign (1 of 4 stars; one submission).

Submission:

CeGaT Center for Human Genetics Tuebingen
Classification: Likely benign. Last evaluated: 2026-04-01. Review status: criteria provided, single submitter. Criteria: CeGaT Center For Human Genetics Tuebingen Variant Classification Criteria Version 2. Collection method: clinical testing. Allele origin: germline. Affected: yes. Observed: 1 variant allele.
Comment: STEEP1: PM2:Supporting, BP4, BP7

NM_022101.4(STEEP1):c.237G>A (p.Leu79=)

Gene: STEEP1 (STING1 ER exit protein 1; minus strand). Cytogenetic location: Xq24.
Variant type: single nucleotide variant.
Coding change: c.237G>A on transcript NM_022101.4 (MANE Select); coding-DNA position 237, G replaced by A.
Protein change: p.Leu79=; no amino-acid change (leucine 79 retained).
Molecular consequence: synonymous variant.
Genome position (GRCh38, 1-based): chrX:119,560,273, C>T on the plus strand (G>A on the coding strand, the complement: STEEP1 is on the minus strand). VCF-style: chrX-119560273-C-T. GRCh37 (hg19) VCF-style: chrX-118694236-C-T.
Other names: c.90G>A, p.Leu30= (NM_001170569.1); c.237G>A, p.Leu79= (NM_001170570.2).
Identifiers: ClinVar variation 4874552 (VCV004874552.2).